The following is an entry in ClinVar:

NM_012309.5(SHANK2):c.5021C>T (p.Thr1674Met)

Gene: SHANK2 (SH3 and multiple ankyrin repeat domains 2; minus strand). Cytogenetic location: 11q13.3.
Variant type: single nucleotide variant.
Coding change: c.5021C>T on transcript NM_012309.5 (MANE Select); coding-DNA position 5021, C replaced by T.
Protein change: p.Thr1674Met; replaces threonine 1674 with methionine.
Molecular consequence: missense variant. On other transcripts: non-coding transcript variant (1).
Genome position (GRCh38, 1-based): chr11:70,473,398, G>A on the plus strand (C>T on the coding strand, the complement: SHANK2 is on the minus strand). VCF-style: chr11-70473398-G-A. GRCh37 (hg19) VCF-style: chr11-70319503-G-A.
Other names: c.3884C>T, p.Thr1295Met (NM_001379226.1); c.3257C>T, p.Thr1086Met (NM_133266.5); short protein forms T1086M, T1674M, T1295M.
Identifiers: ClinVar variation 212169 (VCV000212169.35), dbSNP rs141040521, ClinGen allele CA214622.
Genomic context (GRCh38, chr11:70,473,398, plus strand): 5'-GGCCGGCTCTGCAGGGTGATGGGCTGGGAGGTGCCGGGGCGAACAGTGAAGGTGACCGTC[G>A]TGCTCCGTGTACCTGAGATGGTGCTCATGATCTCCGGGCTTCTGAAACAGCAACACAGAG-3'
Protein context (NP_036441.2, residues 1664-1684): IMSTISGTRS[Thr1674Met]TVTFTVRPGT

ClinVar aggregate classification (germline): Benign/Likely benign. Review status: criteria provided, multiple submitters, no conflicts (2 of 4 stars). 4 submissions from 4 submitters: Benign (1); Likely benign (3). Last evaluated 2026-01-01.

Allele frequency attached by ClinVar (database versions not stated): TOPMed 0.00012; ESP Exome Variant Server 0.00015; gnomAD 0.00015 and 0.00021; 1000 Genomes Project 30x 0.00031; gnomAD exomes 0.00037 and 0.00061; 1000 Genomes Project 0.00040; ExAC 0.00055.
gnomAD v4.1: 581 of 1,608,438 alleles (0.036%); highest among the groups gnomAD compares: South Asian, 0.34%; 2 homozygotes.

Submissions (4):

CeGaT Center for Human Genetics Tuebingen
Classification: Likely benign. Last evaluated: 2026-01-01. Review status: criteria provided, single submitter. Criteria: CeGaT Center For Human Genetics Tuebingen Variant Classification Criteria Version 2. Collection method: clinical testing. Allele origin: germline. Affected: yes. Observed: 7 variant alleles.
Comment: SHANK2: BS1

Blueprint Genetics
Classification: Likely benign. Last evaluated: 2024-11-25. Review status: criteria provided, single submitter. Criteria: ACMG Guidelines, 2015. Collection method: clinical testing. Allele origin: germline.

Labcorp Genetics (formerly Invitae), Labcorp
Classification: Likely benign. Last evaluated: 2018-04-13. Review status: criteria provided, single submitter. Criteria: Invitae Variant Classification Sherloc (09022015). Collection method: clinical testing. Allele origin: germline.

Genetic Services Laboratory, University of Chicago
Classification: Benign. Last evaluated: 2017-08-25. Review status: criteria provided, single submitter. Criteria: ACMG Guidelines, 2015. Collection method: clinical testing. Allele origin: germline. Affected: no.